The following is an entry in ClinVar:

NM_005732.4(RAD50):c.3905G>A (p.Cys1302Tyr)

Genes: RAD50 (RAD50 double strand break repair protein; plus strand), TH2LCRR (T helper type 2 locus control region associated RNA; minus strand). Cytogenetic location: 5q31.1.
Variant type: single nucleotide variant.
Coding change: c.3905G>A on transcript NM_005732.4 (MANE Select); coding-DNA position 3905, G replaced by A.
Protein change: p.Cys1302Tyr; replaces cysteine 1302 with tyrosine.
Molecular consequence: missense variant.
Genome position (GRCh38, 1-based): chr5:132,642,330, G>A. VCF-style: chr5-132642330-G-A. GRCh37 (hg19) VCF-style: chr5-131978022-G-A.
Other names: c.3905G>A (NM_005732.3); short protein forms C1302Y.
Identifiers: ClinVar variation 2099632 (VCV002099632.5), dbSNP rs2479440826, ClinGen allele CA360937441.
Genomic context (GRCh38, chr5:132,642,330, plus strand): 5'-ATGTGGAGAAATTCTACAGGATTAAAAAGAACATCGATCAGTGCTCAGAGATTGTGAAAT[G>A]CAGTGTTAGCTCCCTGGGATTCAATGTTCATTAAAAATATCCAAGATTTAAATGCCATAG-3'
Protein context (NP_005723.2, residues 1292-1312): NIDQCSEIVK[Cys1302Tyr]SVSSLGFNVH

ClinVar aggregate classification (germline): Uncertain significance. Review status: criteria provided, multiple submitters, no conflicts (2 of 4 stars). 2 submissions from 2 submitters: Uncertain significance (2). Last evaluated 2023-05-18.

Conditions:
Hereditary cancer-predisposing syndrome. Also called: Hereditary Cancer Syndrome; Tumor predisposition; Neoplastic Syndromes, Hereditary; Hereditary neoplastic syndrome. Identifiers: Orphanet 140162, MedGen C0027672, MeSH D009386, MONDO:0015356.
RAD50-related disorder. Also called: RAD50-related condition.

Submissions (2):

PreventionGenetics, part of Exact Sciences
Classification: Uncertain significance for RAD50-related condition. Last evaluated: 2023-05-18. Review status: criteria provided, single submitter. Criteria: ACMG Guidelines, 2015. Collection method: clinical testing. Allele origin: germline.
Comment: The RAD50 c.3905G>A variant is predicted to result in the amino acid substitution p.Cys1302Tyr. To our knowledge, this variant has not been reported in the literature or in a large population database, indicating this variant is rare. At this time, the clinical significance of this variant is uncertain due to the absence of conclusive functional and genetic evidence.

Labcorp Genetics (formerly Invitae), Labcorp
Classification: Uncertain significance for Hereditary cancer-predisposing syndrome. Last evaluated: 2022-02-19. Review status: criteria provided, single submitter. Criteria: Invitae Variant Classification Sherloc (09022015). Collection method: clinical testing. Allele origin: germline.
Comment: In summary, the available evidence is currently insufficient to determine the role of this variant in disease. Therefore, it has been classified as a Variant of Uncertain Significance. Algorithms developed to predict the effect of missense changes on protein structure and function (SIFT, PolyPhen-2, Align-GVGD) all suggest that this variant is likely to be tolerated. This variant has not been reported in the literature in individuals affected with RAD50-related conditions. This variant is not present in population databases (gnomAD no frequency). This sequence change replaces cysteine, which is neutral and slightly polar, with tyrosine, which is neutral and polar, at codon 1302 of the RAD50 protein (p.Cys1302Tyr).